The following continues an entry in ClinVar:

NM_000089.4(COL1A2):c.1009G>A (p.Gly337Ser)

Gene: COL1A2. ClinVar aggregate classification (germline): Pathogenic. Pathogenic (15).

Submissions 9 to 18 of 18:

Molecular Genetics, Royal Melbourne Hospital
Classification: Pathogenic for Osteogenesis imperfecta. Last evaluated: 2023-03-30. Review status: criteria provided, single submitter. Criteria: ACMG Guidelines, 2015. Collection method: clinical testing. Allele origin: germline. Affected: yes.
Comment: This sequence change in COL1A2 is predicted to replace glycine with serine at codon 337, p.(Gly337Ser). The glycine residue is highly conserved (100 vertebrates, UCSC), and is located in glycine-altering in a Gly-X-Y collagen triple-helical repeat (PMID: 8218237). There is a small physicochemical difference between glycine and serine. This variant is absent from gnomAD v2.1 and v3.1. This variant has been reported in many unrelated individuals with a clinical diagnosis of osteogenesis imperfecta (PMID: 8829649, 33070251). Multiple lines of computational evidence predict a deleterious effect for the missense substitution (6/6 algorithms). Based on the classification scheme RMH Modified ACMG Guidelines v1.5.1, this variant is classified as PATHOGENIC. Following criteria are met: PS4_VeryStrong, PM1, PM2_Supporting, PP3.

CeGaT Center for Human Genetics Tuebingen
Classification: Pathogenic. Last evaluated: 2023-02-01. Review status: criteria provided, single submitter. Criteria: CeGaT Center For Human Genetics Tuebingen Variant Classification Criteria Version 2. Collection method: clinical testing. Allele origin: germline. Affected: yes. Observed: 4 variant alleles.

GeneDx
Classification: Pathogenic. Last evaluated: 2022-12-08. Review status: criteria provided, single submitter. Criteria: GeneDx Variant Classification Process June 2021. Collection method: clinical testing. Allele origin: germline. Affected: yes.
Comment: Glycine substitution within the Gly-X-Y repeat in the collagenous domain of COL1A2; In silico analysis supports that this missense variant has a deleterious effect on protein structure/function; Not observed in large population cohorts (gnomAD); This variant is associated with the following publications: (PMID: 10942108, 24501682, 32333414, 34367232, 22206639, 27510842, 26138843, 27748872, 16882741, 25944380, 8829649, 21667357, 28810924, 27519266, 28116328, 30715774, 17078022, 9016532, 28498836, 30886339, 32081708, 32166892, 24077912)

Genome Diagnostics Laboratory, The Hospital for Sick Children
Classification: Pathogenic for Osteogenesis imperfecta. Last evaluated: 2022-04-21. Review status: criteria provided, single submitter. Criteria: ACMG Guidelines, 2015. Collection method: clinical testing. Allele origin: germline.

Johns Hopkins Genomics, Johns Hopkins University
Classification: Pathogenic for Osteogenesis imperfecta type III; Osteogenesis imperfecta with normal sclerae, dominant form. Last evaluated: 2020-03-09. Review status: criteria provided, single submitter. Criteria: ACMG Guidelines, 2015. Collection method: clinical testing. Allele origin: germline.

Cambridge Genomics Laboratory, East Genomic Laboratory Hub, NHS Genomic Medicine Service
Classification: Pathogenic for Osteogenesis imperfecta. Last evaluated: 2019-12-04. Review status: criteria provided, single submitter. Criteria: ACGS Best Practice Guidelines for Variant Classification in Rare Disease 2020. Collection method: clinical testing. Allele origin: germline. Affected: yes. Observed: 1 variant allele.

Mendelics
Classification: Pathogenic for Ehlers-Danlos syndrome, classic type, 1. Last evaluated: 2019-05-28. Review status: criteria provided, single submitter. Criteria: Mendelics Assertion Criteria 2017. Collection method: clinical testing. Allele origin: unknown.

Center of Excellence for Medical Genomics, Chulalongkorn University
Classification: Pathogenic for Osteogenesis imperfecta type III. Last evaluated: 2020-01-06. Review status: no assertion criteria provided. Collection method: clinical testing. Allele origin: germline. Inheritance: Autosomal dominant inheritance. Affected: yes. Observed: 1 homozygote. Not counted in ClinVar's aggregate classification.

Department of Medical Sciences, Uppsala University
Classification: Pathogenic for OI type I. Review status: no assertion criteria provided. Collection method: clinical testing. Allele origin: maternal. Affected: yes. Observed: 2 variant alleles. Not counted in ClinVar's aggregate classification.

Genomic Medicine Center of Excellence, King Faisal Specialist Hospital and Research Centre
Classification: Uncertain significance for Ehlers-Danlos syndrome, arthrochalasia type, 2. Last evaluated: 2024-03-26. Review status: flagged submission. Criteria: ACMG Guidelines, 2015. Collection method: clinical testing. Allele origin: germline. Not counted in ClinVar's aggregate classification.
ClinVar note: Reason: Outlier claim with insufficient supporting evidence

Literature cited by the submitters: PubMed 8829649 (cited by 3 submitters); PubMed 21667357 (cited by Labcorp Genetics (formerly Invitae), Labcorp); PubMed 22206639 (cited by Labcorp Genetics (formerly Invitae), Labcorp and Johns Hopkins Genomics, Johns Hopkins University); PubMed 24501682 (cited by Labcorp Genetics (formerly Invitae), Labcorp); PubMed 25944380 (cited by 3 submitters); PubMed 26138843 (cited by Labcorp Genetics (formerly Invitae), Labcorp); PubMed 27510842 (cited by Labcorp Genetics (formerly Invitae), Labcorp); PubMed 27519266 (cited by Labcorp Genetics (formerly Invitae), Labcorp and Women's Health and Genetics/Laboratory Corporation of America, LabCorp); PubMed 27748872 (cited by Labcorp Genetics (formerly Invitae), Labcorp); PubMed 28498836 (cited by Labcorp Genetics (formerly Invitae), Labcorp and Women's Health and Genetics/Laboratory Corporation of America, LabCorp); PubMed 28810924 (cited by Labcorp Genetics (formerly Invitae), Labcorp); PubMed 7695699 (cited by Labcorp Genetics (formerly Invitae), Labcorp and Johns Hopkins Genomics, Johns Hopkins University); PubMed 8218237 (cited by Labcorp Genetics (formerly Invitae), Labcorp and Molecular Genetics, Royal Melbourne Hospital); PubMed 19344236 (cited by Labcorp Genetics (formerly Invitae), Labcorp); PubMed 9016532 (cited by Labcorp Genetics (formerly Invitae), Labcorp and Johns Hopkins Genomics, Johns Hopkins University); PubMed 17078022 (cited by Labcorp Genetics (formerly Invitae), Labcorp and Johns Hopkins Genomics, Johns Hopkins University); PubMed 27509835 (cited by Clinical Biomedical Laboratory, Shriners Hospital For Children - Canada); PubMed 4795106 (cited by Women's Health and Genetics/Laboratory Corporation of America, LabCorp); PubMed 33070251 (cited by Molecular Genetics, Royal Melbourne Hospital).